The following is an entry in ClinVar:

NM_001206927.2(DNAH8):c.4235G>A (p.Ser1412Asn)

Gene: DNAH8 (dynein axonemal heavy chain 8; plus strand). Cytogenetic location: 6p21.2.
Variant type: single nucleotide variant.
Coding change: c.4235G>A on transcript NM_001206927.2 (MANE Select); coding-DNA position 4235, G replaced by A.
Protein change: p.Ser1412Asn; replaces serine 1412 with asparagine.
Molecular consequence: missense variant.
Genome position (GRCh38, 1-based): chr6:38,832,368, G>A. VCF-style: chr6-38832368-G-A. GRCh37 (hg19) VCF-style: chr6-38800144-G-A.
Other names: c.3584G>A, p.Ser1195Asn (NM_001371.4); short protein forms S1195N, S1412N.
Identifiers: ClinVar variation 1400225 (VCV001400225.6), dbSNP rs1204156273, ClinGen allele CA363999331.

ClinVar aggregate classification (germline): Uncertain significance (1 of 4 stars; one submission).

Conditions:
Primary ciliary dyskinesia. Also called: Ciliary dyskinesia. Identifiers: Orphanet 244, MedGen C0008780, MONDO:0016575, HP:0012265.

Allele frequency attached by ClinVar (database versions not stated): gnomAD exomes below 0.00001.
gnomAD v4.1: 1 of 1,613,908 alleles (0.000062%); highest among the groups gnomAD compares: Non-Finnish European, 0.000085%; no homozygotes.

Submission:

Labcorp Genetics (formerly Invitae), Labcorp
Classification: Uncertain significance for Primary ciliary dyskinesia. Last evaluated: 2021-08-16. Review status: criteria provided, single submitter. Criteria: Invitae Variant Classification Sherloc (09022015). Collection method: clinical testing. Allele origin: germline.
Comment: In summary, the available evidence is currently insufficient to determine the role of this variant in disease. Therefore, it has been classified as a Variant of Uncertain Significance. Algorithms developed to predict the effect of missense changes on protein structure and function are either unavailable or do not agree on the potential impact of this missense change (SIFT: "Deleterious"; PolyPhen-2: "Not Available"; Align-GVGD: "Class C0"). This variant has not been reported in the literature in individuals affected with DNAH8-related conditions. This variant is not present in population databases (ExAC no frequency). This sequence change replaces serine with asparagine at codon 1412 of the DNAH8 protein (p.Ser1412Asn). The serine residue is moderately conserved and there is a small physicochemical difference between serine and asparagine.